The following is an entry in ClinVar:

ClinVar aggregate classification (germline): Uncertain significance. Review status: criteria provided, multiple submitters, no conflicts (2 of 4 stars). 2 submissions from 2 submitters: Uncertain significance (2). Last evaluated 2023-12-27.

Conditions:
Inborn genetic diseases. Identifiers: MedGen C0950123, MeSH D030342.

Allele frequency attached by ClinVar (database versions not stated): ExAC 0.00002; TOPMed 0.00002; ESP Exome Variant Server 0.00008.
gnomAD v4.1: 62 of 1,613,694 alleles (0.0038%); highest among the groups gnomAD compares: Admixed American, 0.01%; no homozygotes.

Submissions (2):

Ambry Genetics
Classification: Uncertain significance for Inborn genetic diseases. Last evaluated: 2023-12-27. Review status: criteria provided, single submitter. Criteria: Ambry Variant Classification Scheme 2023. Collection method: clinical testing. Allele origin: germline.

GeneDx
Classification: Uncertain significance. Last evaluated: 2019-12-13. Review status: criteria provided, single submitter. Criteria: GeneDx Variant Classification Process June 2021. Collection method: clinical testing. Allele origin: germline. Affected: yes.
Comment: Not observed at a significant frequency in large population cohorts (Lek et al., 2016); In silico analysis, which includes protein predictors and evolutionary conservation, supports a deleterious effect; Has not been previously published as pathogenic or benign to our knowledge

NM_025009.5(CEP135):c.2114A>G (p.Glu705Gly)

Gene: CEP135 (centrosomal protein 135; plus strand). Cytogenetic location: 4q12.
Variant type: single nucleotide variant.
Coding change: c.2114A>G on transcript NM_025009.5 (MANE Select); coding-DNA position 2114, A replaced by G.
Protein change: p.Glu705Gly; replaces glutamic acid 705 with glycine.
Molecular consequence: missense variant.
Genome position (GRCh38, 1-based): chr4:55,999,406, A>G. VCF-style: chr4-55999406-A-G. GRCh37 (hg19) VCF-style: chr4-56865572-A-G.
Other names: c.2114A>G (NM_025009.3); short protein forms E705G.
Identifiers: ClinVar variation 422503 (VCV000422503.5), dbSNP rs370414021, ClinGen allele CA2928052.